The following is an entry in ClinVar:

NM_182643.3(DLC1):c.3299G>A (p.Arg1100Gln)

Gene: DLC1 (DLC1 Rho GTPase activating protein; minus strand). Cytogenetic location: 8p22.
Variant type: single nucleotide variant.
Coding change: c.3299G>A on transcript NM_182643.3 (MANE Select); coding-DNA position 3299, G replaced by A.
Protein change: p.Arg1100Gln; replaces arginine 1100 with glutamine.
Molecular consequence: missense variant.
Genome position (GRCh38, 1-based): chr8:13,095,114, C>T on the plus strand (G>A on the coding strand, the complement: DLC1 is on the minus strand). VCF-style: chr8-13095114-C-T. GRCh37 (hg19) VCF-style: chr8-12952623-C-T.
Other names: c.1766G>A, p.Arg589Gln (NM_001164271.2, NM_001413133.1, NM_001413138.1 and 6 more transcripts); c.2090G>A, p.Arg697Gln (NM_001413129.1, NM_001316668.2); c.2081G>A, p.Arg694Gln (NM_001413130.1); c.1739G>A, p.Arg580Gln (NM_001413131.1, NM_001413137.1); c.2225G>A, p.Arg742Gln (NM_001413132.1); c.1988G>A, p.Arg663Gln (NM_001413135.1, NM_001413136.1, NM_001413139.1 and 1 more transcripts); c.3299G>A, p.Arg1100Gln (NM_001348081.2, NM_001413124.1); c.2123G>A, p.Arg708Gln (NM_001413140.1); short protein forms R580Q, R742Q, R663Q, R694Q, R1100Q, R589Q, R697Q, R708Q.
Identifiers: ClinVar variation 2260523 (VCV002260523.5), dbSNP rs750726000, ClinGen allele CA4638388.

ClinVar aggregate classification (germline): Uncertain significance. Review status: criteria provided, multiple submitters, no conflicts (2 of 4 stars). 2 submissions from 2 submitters: Uncertain significance (2). Last evaluated 2025-02-10.

Allele frequency attached by ClinVar (database versions not stated): TOPMed 0.00003; ExAC 0.00002; gnomAD 0.00004.
gnomAD v4.1: 73 of 1,614,248 alleles (0.0045%); highest among the groups gnomAD compares: Middle Eastern, 0.016%; no homozygotes.

Submissions (2):

Labcorp Genetics (formerly Invitae), Labcorp
Classification: Uncertain significance. Last evaluated: 2025-02-10. Review status: criteria provided, single submitter. Criteria: Invitae Variant Classification Sherloc (09022015). Collection method: clinical testing. Allele origin: germline.
Comment: This sequence change replaces arginine, which is basic and polar, with glutamine, which is neutral and polar, at codon 1100 of the DLC1 protein (p.Arg1100Gln). This variant is present in population databases (rs750726000, gnomAD 0.003%). This variant has not been reported in the literature in individuals affected with DLC1-related conditions. ClinVar contains an entry for this variant (Variation ID: 2260523). An algorithm developed to predict the effect of missense changes on protein structure and function (PolyPhen-2) suggests that this variant is likely to be disruptive. In summary, the available evidence is currently insufficient to determine the role of this variant in disease. Therefore, it has been classified as a Variant of Uncertain Significance.

Ambry Genetics
Classification: Uncertain significance. Last evaluated: 2021-11-12. Review status: criteria provided, single submitter. Criteria: Ambry Variant Classification Scheme 2023. Collection method: clinical testing. Allele origin: germline.